The following is an entry in ClinVar:

ClinVar aggregate classification (germline): Uncertain significance. Review status: criteria provided, multiple submitters, no conflicts (2 of 4 stars). 3 submissions from 3 submitters: Uncertain significance (3). Last evaluated 2026-01-22.

Allele frequency attached by ClinVar (database versions not stated): gnomAD exomes 0.00003 and 0.00005; ExAC 0.00004; TOPMed 0.00005.
gnomAD v4.1: 53 of 1,614,052 alleles (0.0033%); highest among the groups gnomAD compares: African/African-American, 0.004%; no homozygotes.

Submissions (3):

Labcorp Genetics (formerly Invitae), Labcorp
Classification: Uncertain significance. Last evaluated: 2026-01-22. Review status: criteria provided, single submitter. Criteria: Invitae Variant Classification Sherloc (09022015). Collection method: clinical testing. Allele origin: germline.
Comment: This sequence change replaces lysine, which is basic and polar, with glutamic acid, which is acidic and polar, at codon 1271 of the RP1 protein (p.Lys1271Glu). This variant is present in population databases (rs770305929, gnomAD 0.01%). This variant has not been reported in the literature in individuals affected with RP1-related conditions. ClinVar contains an entry for this variant (Variation ID: 1034633). An algorithm developed to predict the effect of missense changes on protein structure and function outputs the following: PolyPhen-2: "Benign". The glutamic acid amino acid residue is found in multiple mammalian species, which suggests that this missense change does not adversely affect protein function. In summary, the available evidence is currently insufficient to determine the role of this variant in disease. Therefore, it has been classified as a Variant of Uncertain Significance.

Blueprint Genetics
Classification: Uncertain significance. Last evaluated: 2024-03-08. Review status: criteria provided, single submitter. Criteria: ACMG Guidelines, 2015. Collection method: clinical testing. Allele origin: germline.

Breakthrough Genomics
Classification: Uncertain significance. Review status: criteria provided, single submitter. Criteria: ACMG Guidelines, 2015. Collection method: not provided. Allele origin: germline. Inheritance: Autosomal recessive inheritance. Affected: yes.

NM_006269.2(RP1):c.3811A>G (p.Lys1271Glu)

Gene: RP1 (RP1 axonemal microtubule associated; plus strand). Cytogenetic location: 8q12.1.
Variant type: single nucleotide variant.
Coding change: c.3811A>G on transcript NM_006269.2 (MANE Select); coding-DNA position 3811, A replaced by G.
Protein change: p.Lys1271Glu; replaces lysine 1271 with glutamic acid.
Molecular consequence: missense variant. On other transcripts: intron variant (1).
Genome position (GRCh38, 1-based): chr8:54,627,693, A>G. VCF-style: chr8-54627693-A-G. GRCh37 (hg19) VCF-style: chr8-55540253-A-G.
Other names: c.787+5405A>G (NM_001375654.1); short protein forms K1271E.
Identifiers: ClinVar variation 1034633 (VCV001034633.9), dbSNP rs770305929, ClinGen allele CA4751750.